The following is an entry in ClinVar:

NM_003664.5(AP3B1):c.2725A>G (p.Thr909Ala)

Gene: AP3B1 (adaptor related protein complex 3 subunit beta 1; minus strand). Cytogenetic location: 5q14.1.
Variant type: single nucleotide variant.
Coding change: c.2725A>G on transcript NM_003664.5 (MANE Select); coding-DNA position 2725, A replaced by G.
Protein change: p.Thr909Ala; replaces threonine 909 with alanine.
Molecular consequence: missense variant.
Genome position (GRCh38, 1-based): chr5:78,039,127, T>C on the plus strand (A>G on the coding strand, the complement: AP3B1 is on the minus strand). VCF-style: chr5-78039127-T-C. GRCh37 (hg19) VCF-style: chr5-77334951-T-C.
Other names: c.2578A>G, p.Thr860Ala (NM_001271769.2); short protein forms T909A, T860A.
Identifiers: ClinVar variation 2063874 (VCV002063874.3), dbSNP rs1747940310, ClinGen allele CA360332021.
Genomic context (GRCh38, chr5:78,039,127, plus strand): 5'-TCATGCCTATAGGAAGTTTTTTTTCCCCTATGTGGATATTTTCTATCTTTCGATCAGTAG[T>C]GTTATTCAGTGTTATTTGTATAGAGACCATCTTATCACCAAAAATGCAAGGCTGTCTTGG-3'
Protein context (NP_003655.3, residues 899-919): MVSIQITLNN[Thr909Ala]TDRKIENIHI

ClinVar aggregate classification (germline): Uncertain significance (1 of 4 stars; one submission).

Conditions:
Hermansky-Pudlak syndrome 2 (HPS2). Also called: Platelet defects and oculocutaneous albinism. Identifiers: Orphanet 183678, Orphanet 79430, MedGen C1842362, MONDO:0011997, OMIM 608233.

Allele frequency attached by ClinVar (database versions not stated): TOPMed below 0.00001.
gnomAD v4.1: 1 of 1,613,656 alleles (0.000062%); no homozygotes.

Submission:

Labcorp Genetics (formerly Invitae), Labcorp
Classification: Uncertain significance for Hermansky-Pudlak syndrome 2. Last evaluated: 2022-03-18. Review status: criteria provided, single submitter. Criteria: Invitae Variant Classification Sherloc (09022015). Collection method: clinical testing. Allele origin: germline.
Comment: Algorithms developed to predict the effect of missense changes on protein structure and function (SIFT, PolyPhen-2, Align-GVGD) all suggest that this variant is likely to be tolerated. In summary, the available evidence is currently insufficient to determine the role of this variant in disease. Therefore, it has been classified as a Variant of Uncertain Significance. This variant has not been reported in the literature in individuals affected with AP3B1-related conditions. This variant is not present in population databases (gnomAD no frequency). This sequence change replaces threonine, which is neutral and polar, with alanine, which is neutral and non-polar, at codon 909 of the AP3B1 protein (p.Thr909Ala).